The following is an entry in ClinVar:

NM_002691.4(POLD1):c.1135C>T (p.Gln379Ter)

Gene: POLD1 (DNA polymerase delta 1, catalytic subunit; plus strand). Cytogenetic location: 19q13.33.
Variant type: single nucleotide variant.
Coding change: c.1135C>T on transcript NM_002691.4 (MANE Select); coding-DNA position 1135, C replaced by T.
Protein change: p.Gln379Ter; replaces glutamine 379 with a stop codon.
Molecular consequence: nonsense. On other transcripts: non-coding transcript variant (1).
Genome position (GRCh38, 1-based): chr19:50,403,217, C>T. VCF-style: chr19-50403217-C-T. GRCh37 (hg19) VCF-style: chr19-50906474-C-T.
Other names: c.1135C>T, p.Gln379Ter (NM_001256849.1, NM_001308632.1); short protein forms Q379*.
Identifiers: ClinVar variation 421125 (VCV000421125.11), dbSNP rs1064794926, ClinGen allele CA16620887.

ClinVar aggregate classification (germline): Uncertain significance. Review status: criteria provided, multiple submitters, no conflicts (2 of 4 stars). 2 submissions from 2 submitters: Uncertain significance (2). Last evaluated 2025-07-30.

Conditions:
POLD1-related polyposis and colorectal cancer syndrome (CRCS10). Also called: Colorectal cancer 10; COLORECTAL CANCER, SUSCEPTIBILITY TO, ON CHROMOSOME 19q; Colorectal cancer, susceptibility to, 10. Identifiers: Orphanet 220460, MedGen C2675481, MONDO:0012953, OMIM 612591.

Submissions (2):

Labcorp Genetics (formerly Invitae), Labcorp
Classification: Uncertain significance for POLD1-related polyposis and colorectal cancer syndrome. Last evaluated: 2025-07-30. Review status: criteria provided, single submitter. Criteria: Invitae Variant Classification Sherloc (09022015). Collection method: clinical testing. Allele origin: germline.
Comment: This sequence change creates a premature translational stop signal (p.Gln379*) in the POLD1 gene. Missense variants that disrupt the 3'-5' exonuclease (proof-reading) activity of the POLD1 protein are associated with PPAP (polymerase proofreading–associated polyposis) (PMID: 23263490, 23447401). However, loss-of-function variants that result in an absent or severely disrupted POLD1 protein, and missense variants outside the exonuclease domain, are unlikely to be associated with PPAP. This variant is not present in population databases (gnomAD no frequency). This variant has not been reported in the literature in individuals affected with POLD1-related conditions. ClinVar contains an entry for this variant (Variation ID: 421125). Algorithms developed to predict the effect of sequence changes on RNA splicing suggest that this variant may disrupt the consensus splice site. In summary, the available evidence is currently insufficient to determine the role of this variant in disease. Therefore, it has been classified as a Variant of Uncertain Significance.

GeneDx
Classification: Uncertain significance. Last evaluated: 2016-05-25. Review status: criteria provided, single submitter. Criteria: GeneDx Variant Classification (06012015). Collection method: clinical testing. Allele origin: germline. Affected: yes.
Comment: This variant is denoted POLD1 c.1135C>T at the cDNA level and p.Gln379Ter (Q379X) at the protein level. The substitution creates a nonsense variant, which changes a Glutamine to a premature stop codon (CAG>TAG), and is predicted to result in protein truncation or nonsense-mediated mRNA decay. This variant has not, to our knowledge, been published in the literature. While some missense variants in POLD1 have been recognized as an underlying cause of Polymerase Proofreading-Associated Polyposis (PPAP), there are no data at this time to support that loss-of-function variants confer the same cancer risks. We therefore consider POLD1 Gln379Ter to be a variant of uncertain significance with respect to cancer.

Literature cited by the submitters: PubMed 23263490 (cited by Labcorp Genetics (formerly Invitae), Labcorp); PubMed 23447401 (cited by Labcorp Genetics (formerly Invitae), Labcorp).